The following is an entry in ClinVar:

ClinVar aggregate classification (germline): Uncertain significance. Review status: criteria provided, multiple submitters, no conflicts (2 of 4 stars). 3 submissions from 3 submitters: Uncertain significance (2). 1 of the submissions does not count toward it. Last evaluated 2022-01-26.

Conditions:
Neuronal ceroid lipofuscinosis 1 (CLN1). Also called: CEROID LIPOFUSCINOSIS, NEURONAL, 1, VARIABLE AGE AT ONSET; PPT1-Related Neuronal Ceroid-Lipofuscinosis. Identifiers: Orphanet 228329, MedGen C1850451, MONDO:0009744, OMIM 256730.

Allele frequency attached by ClinVar (database versions not stated): ExAC 0.00001; gnomAD exomes 0.00001.
gnomAD v4.1: 4 of 1,614,122 alleles (0.00025%); highest among the groups gnomAD compares: Admixed American, 0.0067%; no homozygotes.

Submissions (3):

Labcorp Genetics (formerly Invitae), Labcorp
Classification: Uncertain significance for Neuronal ceroid lipofuscinosis 1. Last evaluated: 2022-01-26. Review status: criteria provided, single submitter. Criteria: Invitae Variant Classification Sherloc (09022015). Collection method: clinical testing. Allele origin: germline.
Comment: This sequence change replaces proline, which is neutral and non-polar, with glutamine, which is neutral and polar, at codon 29 of the PPT1 protein (p.Pro29Gln). This variant is present in population databases (rs778256566, gnomAD 0.009%). This variant has not been reported in the literature in individuals affected with PPT1-related conditions. ClinVar contains an entry for this variant (Variation ID: 206646). Advanced modeling of protein sequence and biophysical properties (such as structural, functional, and spatial information, amino acid conservation, physicochemical variation, residue mobility, and thermodynamic stability) performed at Invitae indicates that this missense variant is not expected to disrupt PPT1 protein function. In summary, the available evidence is currently insufficient to determine the role of this variant in disease. Therefore, it has been classified as a Variant of Uncertain Significance.

GeneDx
Classification: Uncertain significance. Last evaluated: 2020-11-13. Review status: criteria provided, single submitter. Criteria: GeneDx Variant Classification Process June 2021. Collection method: clinical testing. Allele origin: germline. Affected: yes.
Comment: Not observed at a significant frequency in large population cohorts (Lek et al., 2016); In silico analysis supports that this missense variant has a deleterious effect on protein structure/function; Has not been previously published as pathogenic or benign to our knowledge

Natera, Inc.
Classification: Uncertain significance for Neuronal ceroid lipofuscinosis 1. Last evaluated: 2019-11-11. Review status: no assertion criteria provided. Collection method: clinical testing. Allele origin: germline. Not counted in ClinVar's aggregate classification.

NM_000310.4(PPT1):c.86C>A (p.Pro29Gln)

Gene: PPT1 (palmitoyl-protein thioesterase 1; minus strand). Cytogenetic location: 1p34.2.
Variant type: single nucleotide variant.
Coding change: c.86C>A on transcript NM_000310.4 (MANE Select); coding-DNA position 86, C replaced by A.
Protein change: p.Pro29Gln; replaces proline 29 with glutamine.
Molecular consequence: missense variant.
Genome position (GRCh38, 1-based): chr1:40,097,153, G>T on the plus strand (C>A on the coding strand, the complement: PPT1 is on the minus strand). VCF-style: chr1-40097153-G-T. GRCh37 (hg19) VCF-style: chr1-40562825-G-T.
Other names: p.P29Q:CCG>CAG; c.86C>A, p.Pro29Gln (NM_001142604.2, NM_001363695.2); short protein forms P29Q.
Identifiers: ClinVar variation 206646 (VCV000206646.8), dbSNP rs778256566, ClinGen allele CA316933.